The following is an entry in ClinVar:

ClinVar aggregate classification (germline): Uncertain significance. Review status: criteria provided, single submitter (1 of 4 stars). 2 submissions from 2 submitters: Uncertain significance (1). 1 of the submissions does not count toward it. Last evaluated 2022-12-28.

Conditions:
Hereditary cancer-predisposing syndrome. Also called: Hereditary Cancer Syndrome; Hereditary neoplastic syndrome; Neoplastic Syndromes, Hereditary; Tumor predisposition. Identifiers: Orphanet 140162, MedGen C0027672, MeSH D009386, MONDO:0015356.
APC-related disorder. Also called: APC-related condition.

Submissions (2):

Ambry Genetics
Classification: Uncertain significance for Hereditary cancer-predisposing syndrome. Last evaluated: 2022-12-28. Review status: criteria provided, single submitter. Criteria: Ambry Variant Classification Scheme 2023. Collection method: clinical testing. Allele origin: germline.
Comment: The p.W157R variant (also known as c.469T>C), located in coding exon 4 of the APC gene, results from a T to C substitution at nucleotide position 469. The tryptophan at codon 157 is replaced by arginine, an amino acid with dissimilar properties. This amino acid position is highly conserved in available vertebrate species. In addition, in silico predictors for this gene do not accurately predict pathogenicity. Since supporting evidence is limited at this time, the clinical significance of this alteration remains unclear.

PreventionGenetics, part of Exact Sciences
Classification: Uncertain significance for APC-related condition. Last evaluated: 2024-05-03. Review status: no assertion criteria provided. Collection method: clinical testing. Allele origin: germline. Not counted in ClinVar's aggregate classification.
Comment: The APC c.469T>C variant is predicted to result in the amino acid substitution p.Trp157Arg. To our knowledge, this variant has not been reported in the literature or in a large population database, indicating this variant is rare. At this time, the clinical significance of this variant is uncertain due to the absence of conclusive functional and genetic evidence.

NM_000038.6(APC):c.469T>C (p.Trp157Arg)

Gene: APC (APC regulator of Wnt signaling pathway; plus strand). Cytogenetic location: 5q22.2.
Variant type: single nucleotide variant.
Coding change: c.469T>C on transcript NM_000038.6 (MANE Select); coding-DNA position 469, T replaced by C.
Protein change: p.Trp157Arg; replaces tryptophan 157 with arginine.
Molecular consequence: missense variant. On other transcripts: 5 prime UTR variant (1).
Genome position (GRCh38, 1-based): chr5:112,775,675, T>C. VCF-style: chr5-112775675-T-C. GRCh37 (hg19) VCF-style: chr5-112111372-T-C.
Other names: c.469T>C, p.Trp157Arg (NM_001127510.3, NM_001354895.2, NM_001354896.2 and 16 more transcripts); c.499T>C, p.Trp167Arg (NM_001127511.3, NM_001354897.2, NM_001354902.2 and 1 more transcripts); c.394T>C, p.Trp132Arg (NM_001354898.2, NM_001354904.2, NM_001407451.1); c.292T>C, p.Trp98Arg (NM_001354900.2, NM_001354901.2, NM_001354905.2 and 1 more transcripts); c.-567T>C (NM_001354906.2, NM_001407470.1, NM_001407471.1 and 1 more transcripts); short protein forms W157R, W98R, W132R, W167R.
Identifiers: ClinVar variation 1742521 (VCV001742521.4), dbSNP rs2532413237, ClinGen allele CA16022347.